The following is an entry in ClinVar:

ClinVar aggregate classification (germline): Uncertain significance (1 of 4 stars; one submission).

Submission:

Ambry Genetics
Classification: Uncertain significance. Last evaluated: 2025-02-04. Review status: criteria provided, single submitter. Criteria: Ambry Variant Classification Scheme 2023. Collection method: clinical testing. Allele origin: germline.
Comment: The p.S662C variant (also known as c.1985C>G), located in coding exon 13 of the GEN1 gene, results from a C to G substitution at nucleotide position 1985. The serine at codon 662 is replaced by cysteine, an amino acid with dissimilar properties. This amino acid position is conserved. In addition, this alteration is predicted to be tolerated by in silico analysis. Based on the available evidence, the clinical significance of this variant remains unclear.

NM_001130009.3(GEN1):c.1985C>G (p.Ser662Cys)

Gene: GEN1 (GEN1 Holliday junction 5' flap endonuclease; plus strand). Cytogenetic location: 2p24.2.
Variant type: single nucleotide variant.
Coding change: c.1985C>G on transcript NM_001130009.3 (MANE Select); coding-DNA position 1985, C replaced by G.
Protein change: p.Ser662Cys; replaces serine 662 with cysteine.
Molecular consequence: missense variant.
Genome position (GRCh38, 1-based): chr2:17,781,197, C>G. VCF-style: chr2-17781197-C-G. GRCh37 (hg19) VCF-style: chr2-17962464-C-G.
Other names: c.1985C>G, p.Ser662Cys (NM_182625.5); short protein forms S662C.
Identifiers: ClinVar variation 3853549 (VCV003853549.1).